The following is an entry in ClinVar:

NM_001134363.3(RBM20):c.1360G>T (p.Gly454Cys)

Gene: RBM20 (RNA binding motif protein 20; plus strand). Cytogenetic location: 10q25.2.
Variant type: single nucleotide variant.
Coding change: c.1360G>T on transcript NM_001134363.3 (MANE Select); coding-DNA position 1360, G replaced by T.
Protein change: p.Gly454Cys; replaces glycine 454 with cysteine.
Molecular consequence: missense variant.
Genome position (GRCh38, 1-based): chr10:110,784,363, G>T. VCF-style: chr10-110784363-G-T. GRCh37 (hg19) VCF-style: chr10-112544121-G-T.
Other names: c.1360G>T (NM_001134363.2); short protein forms G454C.
Identifiers: ClinVar variation 1518342 (VCV001518342.11), dbSNP rs780583951, ClinGen allele CA5688593.
Genomic context (GRCh38, chr10:110,784,363, plus strand): 5'-TTATTAAGGAGCCGGTTTCCCTTTCTCGCCCTCTCCAGTGCTGGCATCCGGTGTATACTT[G>T]GTTCGGCAGAGGGAACATTGTGTGCTTCTCCCAACAGCACAGCTGTTTATAACCCTGCTG-3'
Protein context (NP_001127835.2, residues 444-464): SENAGIRCIL[Gly454Cys]SAEGTLCASP

ClinVar aggregate classification (germline): Conflicting classifications of pathogenicity. Review status: criteria provided, conflicting classifications (1 of 4 stars). 3 submissions from 3 submitters: Uncertain significance (1); Likely benign (1). 1 of the submissions does not count toward it. Last evaluated 2023-10-03.

Conditions:
RBM20-related disorder. Also called: RBM20-related condition.
Dilated cardiomyopathy 1DD (CMD1DD). Identifiers: Orphanet 154, MedGen C2750995, MONDO:0013168, OMIM 613172.
Cardiovascular phenotype. Identifiers: MedGen CN230736.

Allele frequency attached by ClinVar (database versions not stated): gnomAD exomes 0.00001; ExAC 0.00005.

Submissions (3):

Labcorp Genetics (formerly Invitae), Labcorp
Classification: Likely benign for Dilated cardiomyopathy 1DD. Last evaluated: 2023-10-03. Review status: criteria provided, single submitter. Criteria: Invitae Variant Classification Sherloc (09022015). Collection method: clinical testing. Allele origin: germline.

Ambry Genetics
Classification: Uncertain significance for Cardiovascular phenotype. Last evaluated: 2021-02-10. Review status: criteria provided, single submitter. Criteria: Ambry Variant Classification Scheme 2023. Collection method: clinical testing. Allele origin: germline.
Comment: The p.G454C variant (also known as c.1360G>T), located in coding exon 4 of the RBM20 gene, results from a G to T substitution at nucleotide position 1360. The glycine at codon 454 is replaced by cysteine, an amino acid with highly dissimilar properties. This variant co-occurred with an MYBPC3 pathogenic mutation in an individual reported to have hypertrophic cardiomyopathy; however, details were limited (van Lint FHM et al. Neth Heart J, 2019 Jun;27:304-309). This amino acid position is not well conserved in available vertebrate species. In addition, this alteration is predicted to be tolerated by in silico analysis. Since supporting evidence is limited at this time, the clinical significance of this alteration remains unclear.

PreventionGenetics, part of Exact Sciences
Classification: Uncertain significance for RBM20-related condition. Last evaluated: 2024-07-29. Review status: no assertion criteria provided. Collection method: clinical testing. Allele origin: germline. Not counted in ClinVar's aggregate classification.
Comment: The RBM20 c.1360G>T variant is predicted to result in the amino acid substitution p.Gly454Cys. This variant has been reported in an individual with hypertrophic cardiomyopathy in the presence of a MYBPC3 pathogenic variant (Supplementary File 2, van Lint et al. 2019. PubMed ID: 30847666). This variant is reported in 0.0088% of alleles in individuals of South Asian descent in gnomAD. At this time, the clinical significance of this variant is uncertain due to the absence of conclusive functional and genetic evidence.

Literature cited by the submitters: PubMed 30847666 (cited by Ambry Genetics).